The following is an entry in ClinVar:

NM_201596.3(CACNB2):c.729C>T (p.His243=)

Gene: CACNB2 (calcium voltage-gated channel auxiliary subunit beta 2; plus strand). Cytogenetic location: 10p12.31.
Variant type: single nucleotide variant.
Coding change: c.729C>T on transcript NM_201596.3 (MANE Select); coding-DNA position 729, C replaced by T.
Protein change: p.His243=; no amino-acid change (histidine 243 retained).
Molecular consequence: synonymous variant. On other transcripts: intron variant (6).
Genome position (GRCh38, 1-based): chr10:18,514,294, C>T. VCF-style: chr10-18514294-C-T. GRCh37 (hg19) VCF-style: chr10-18803223-C-T.
Other names: c.564C>T, p.His188= (NM_000724.4); c.585C>T, p.His195= (NM_201570.3); c.645C>T, p.His215= (NM_201571.4); c.567C>T, p.His189= (NM_201590.3); c.587-217C>T (NM_001167945.2); c.587-686C>T (NM_201572.4); c.671-217C>T (NM_201593.3); c.671-686C>T (NM_201597.3); and 2 more.
Identifiers: ClinVar variation 1749006 (VCV001749006.3), dbSNP rs2494510360, ClinGen allele CA468439893.

ClinVar aggregate classification (germline): Likely benign. Review status: criteria provided, multiple submitters, no conflicts (2 of 4 stars). 2 submissions from 2 submitters: Likely benign (2). Last evaluated 2025-10-15.

Conditions:
CACNB2-related disorder. Also called: CACNB2-related condition.
Cardiovascular phenotype. Identifiers: MedGen CN230736.

Submissions (2):

PreventionGenetics, part of Exact Sciences
Classification: Likely benign for CACNB2-related condition. Last evaluated: 2025-10-15. Review status: criteria provided, single submitter. Criteria: ACMG Guidelines, 2015. Collection method: clinical testing. Allele origin: germline.
Comment: This variant is classified as likely benign based on ACMG/AMP sequence variant interpretation guidelines (Richards et al. 2015 PMID: 25741868, with internal and published modifications).

Ambry Genetics
Classification: Likely benign for Cardiovascular phenotype. Last evaluated: 2022-03-03. Review status: criteria provided, single submitter. Criteria: Ambry Variant Classification Scheme 2023. Collection method: clinical testing. Allele origin: germline.